The following is an entry in ClinVar:

ClinVar aggregate classification (germline): Pathogenic/Likely pathogenic. Review status: criteria provided, multiple submitters, no conflicts (2 of 4 stars). 5 submissions from 5 submitters: Pathogenic (1); Likely pathogenic (1). 3 of the submissions do not count toward it. Last evaluated 2022-11-15.

Conditions:
Idiopathic and/or familial pulmonary arterial hypertension. Identifiers: Orphanet 422, MedGen C5679820, MONDO:0008347.
Pulmonary arterial hypertension. Identifiers: Orphanet 182090, MedGen C2973725, MeSH D000081029, MONDO:0015924, HP:0002092.
Primary pulmonary hypertension. Also called: Idiopathic pulmonary hypertension. Identifiers: MedGen C0152171.
Pulmonary hypertension, primary, 1 (PPH1). Also called: Pulmonary hypertension, familial primary, 1, with or without HHT. Identifiers: Orphanet 422, MedGen C4552070, MONDO:0024533, OMIM 178600.

Submissions (5):

Labcorp Genetics (formerly Invitae), Labcorp
Classification: Likely pathogenic for Primary pulmonary hypertension. Last evaluated: 2022-11-15. Review status: criteria provided, single submitter. Criteria: Invitae Variant Classification Sherloc (09022015). Collection method: clinical testing. Allele origin: germline.
Comment: In summary, the currently available evidence indicates that the variant is pathogenic, but additional data are needed to prove that conclusively. Therefore, this variant has been classified as Likely Pathogenic. Advanced modeling of protein sequence and biophysical properties (such as structural, functional, and spatial information, amino acid conservation, physicochemical variation, residue mobility, and thermodynamic stability) has been performed at Invitae for this missense variant, however the output from this modeling did not meet the statistical confidence thresholds required to predict the impact of this variant on BMPR2 protein function. ClinVar contains an entry for this variant (Variation ID: 212817). This missense change has been observed in individuals with pulmonary arterial hypertension (PMID: 19555857, 20534176, 21737554, 29843651, 31727138, 32581362). This variant is not present in population databases (gnomAD no frequency). This sequence change replaces asparagine, which is neutral and polar, with serine, which is neutral and polar, at codon 126 of the BMPR2 protein (p.Asn126Ser).

GeneDx
Classification: Pathogenic. Last evaluated: 2014-09-03. Review status: criteria provided, single submitter. Criteria: GeneDx Variant Classification (06012015). Collection method: clinical testing. Allele origin: germline. Affected: yes.
Comment: p.Asn126Ser (AAC>AGC): c.377 A>G in exon 3 of the BMPR2 gene (NM_001204.6). The N126S mutation in the BMPR2 gene has been reported previously in three unrelated individuals with a diagnosis of PAH (Machado R et al., 2009; Girerd B et al., 2010). This substitution occurs at a position that is completely conserved across species. In silico analysis predicts this variant is probably damaging to the protein structure/function. Mutations in nearby residues (C118Y, C118W, C123S, C123R, N124D) have been reported in association with PAH, further supporting the functional importance of this region of the protein. Furthermore, the N126S mutation was not observed in approximately 6,500 individuals of European and African American ancestry in the NHLBI Exome Sequencing Project, indicating it is not a common benign variant in these populations. In summary, N126S in the BMPR2 gene is interpreted as a disease-causing mutation. This variant was found in PAH-ARRHYTHMIA

NIHR Bioresource Rare Diseases, University of Cambridge
Classification: Pathogenic for Pulmonary arterial hypertension. Review status: no assertion criteria provided. Collection method: research. Allele origin: unknown. Affected: yes. Observed: 1 variant allele. Not counted in ClinVar's aggregate classification.

Rare Disease Genomics Group, St George's University of London
Classification: Pathogenic for Primary pulmonary hypertension. Review status: no assertion criteria provided. Collection method: literature only. Allele origin: germline. Affected: yes. Not counted in ClinVar's aggregate classification.

Wendy Chung Laboratory, Boston Children's Hospital
No classification provided. Condition: Idiopathic and/or familial pulmonary arterial hypertension. Review status: no classification provided. Collection method: literature only. Allele origin: germline. Affected: yes. Observed: 2 variant alleles. Not counted in ClinVar's aggregate classification.

Literature cited by the submitters: PubMed 19555857 (cited by Labcorp Genetics (formerly Invitae), Labcorp and Rare Disease Genomics Group, St George's University of London); PubMed 20534176 (cited by Labcorp Genetics (formerly Invitae), Labcorp and Rare Disease Genomics Group, St George's University of London); PubMed 21737554 (cited by Labcorp Genetics (formerly Invitae), Labcorp and Rare Disease Genomics Group, St George's University of London); PubMed 29843651 (cited by Labcorp Genetics (formerly Invitae), Labcorp); PubMed 31727138 (cited by Labcorp Genetics (formerly Invitae), Labcorp and Wendy Chung Laboratory, Boston Children's Hospital); PubMed 32581362 (cited by Labcorp Genetics (formerly Invitae), Labcorp and NIHR Bioresource Rare Diseases, University of Cambridge); PubMed 21801371 (cited by Rare Disease Genomics Group, St George's University of London); PubMed 26387786 (cited by Rare Disease Genomics Group, St George's University of London).

NM_001204.7(BMPR2):c.377A>G (p.Asn126Ser)

Gene: BMPR2 (bone morphogenetic protein receptor type 2; plus strand). Cytogenetic location: 2q33.1.
Variant type: single nucleotide variant.
Coding change: c.377A>G on transcript NM_001204.7 (MANE Select); coding-DNA position 377, A replaced by G.
Protein change: p.Asn126Ser; replaces asparagine 126 with serine.
Molecular consequence: missense variant.
Genome position (GRCh38, 1-based): chr2:202,467,648, A>G. VCF-style: chr2-202467648-A-G. GRCh37 (hg19) VCF-style: chr2-203332371-A-G.
Other names: p.N126S:AAC>AGC; c.377A>G, p.N126S (LRG_712t1); short protein forms N126S.
Identifiers: ClinVar variation 212817 (VCV000212817.15), dbSNP rs863223426, ClinGen allele CA323070.